The following is an entry in ClinVar:

NM_198253.3(TERT):c.1076G>A (p.Arg359Lys)

Gene: TERT (telomerase reverse transcriptase; minus strand). Cytogenetic location: 5p15.33.
Variant type: single nucleotide variant.
Coding change: c.1076G>A on transcript NM_198253.3 (MANE Select); coding-DNA position 1076, G replaced by A.
Protein change: p.Arg359Lys; replaces arginine 359 with lysine.
Molecular consequence: missense variant. On other transcripts: non-coding transcript variant (2).
Genome position (GRCh38, 1-based): chr5:1,293,810, C>T on the plus strand (G>A on the coding strand, the complement: TERT is on the minus strand). VCF-style: chr5-1293810-C-T. GRCh37 (hg19) VCF-style: chr5-1293925-C-T.
Other names: c.1076G>A, p.Arg359Lys (NM_001193376.3); short protein forms R359K.
Identifiers: ClinVar variation 4182769 (VCV004182769.1).

ClinVar aggregate classification (germline): Uncertain significance (1 of 4 stars; one submission).

Conditions:
Dyskeratosis congenita. Identifiers: Orphanet 1775, MedGen C0265965, MONDO:0015780.

gnomAD v4.1: 1 of 1,550,784 alleles (0.000064%); highest among the groups gnomAD compares: South Asian, 0.0012%; no homozygotes.

Submission:

Ambry Genetics
Classification: Uncertain significance for Dyskeratosis congenita. Last evaluated: 2025-06-17. Review status: criteria provided, single submitter. Criteria: Ambry Variant Classification Scheme 2023. Collection method: clinical testing. Allele origin: germline.
Comment: The p.R359K variant (also known as c.1076G>A), located in coding exon 2 of the TERT gene, results from a G to A substitution at nucleotide position 1076. The arginine at codon 359 is replaced by lysine, an amino acid with highly similar properties. This amino acid position is conserved. In addition, this alteration is predicted to be tolerated by in silico analysis. Based on the available evidence, the clinical significance of this variant remains unclear.